The following is an entry in ClinVar:

ClinVar aggregate classification (germline): Uncertain significance (1 of 4 stars; one submission).

Conditions:
Immunodeficiency 104. Also called: Severe Combined Immune Deficiency, Autosomal Recessive, TCell -Negative, B Cell-Positive, NK Cell-Positive, IL7R-Related; Severe combined immunodeficiency, autosomal recessive, T cell-negative, B cell-positive, NK cell-positive; SCID, AUTOSOMAL RECESSIVE, T CELL-NEGATIVE, B CELL-POSITIVE, NK CELL-POSITIVE; IMMUNODEFICIENCY 104, SEVERE COMBINED. Identifiers: MedGen C5676890, MONDO:0012163, OMIM 608971.

Allele frequency attached by ClinVar (database versions not stated): gnomAD exomes below 0.00001.
gnomAD v4.1: 4 of 1,614,126 alleles (0.00025%); highest among the groups gnomAD compares: Admixed American, 0.0033%; no homozygotes.

Submission:

Labcorp Genetics (formerly Invitae), Labcorp
Classification: Uncertain significance for Immunodeficiency 104. Last evaluated: 2024-10-21. Review status: criteria provided, single submitter. Criteria: Invitae Variant Classification Sherloc (09022015). Collection method: clinical testing. Allele origin: germline.
Comment: This sequence change replaces threonine, which is neutral and polar, with isoleucine, which is neutral and non-polar, at codon 81 of the PTPRC protein (p.Thr81Ile). This variant is present in population databases (no rsID available, gnomAD 0.003%). This variant has not been reported in the literature in individuals affected with PTPRC-related conditions. ClinVar contains an entry for this variant (Variation ID: 2159338). An algorithm developed to predict the effect of missense changes on protein structure and function outputs the following: PolyPhen-2: "Benign". The isoleucine amino acid residue is found in multiple mammalian species, which suggests that this missense change does not adversely affect protein function. In summary, the available evidence is currently insufficient to determine the role of this variant in disease. Therefore, it has been classified as a Variant of Uncertain Significance.

NM_002838.5(PTPRC):c.242C>T (p.Thr81Ile)

Gene: PTPRC (protein tyrosine phosphatase receptor type C; plus strand). Cytogenetic location: 1q31.3.
Variant type: single nucleotide variant.
Coding change: c.242C>T on transcript NM_002838.5 (MANE Select); coding-DNA position 242, C replaced by T.
Protein change: p.Thr81Ile; replaces threonine 81 with isoleucine.
Molecular consequence: missense variant. On other transcripts: intron variant (1).
Genome position (GRCh38, 1-based): chr1:198,696,853, C>T. VCF-style: chr1-198696853-C-T. GRCh37 (hg19) VCF-style: chr1-198665982-C-T.
Other names: c.100+4480C>T (NM_080921.4); short protein forms T81I.
Identifiers: ClinVar variation 2159338 (VCV002159338.4), dbSNP rs1329360713, ClinGen allele CA344096984.
Genomic context (GRCh38, chr1:198,696,853, plus strand): 5'-GCACCTTTGAAAGAGAAAATGACTTCTCAGAGACCACAACTTCTCTTAGTCCAGACAATA[C>T]TTCCACCCAAGTATCCCCGGACTCTTTGGATAATGCTAGTGCTTTTAATACCACAGGTTG-3'
Protein context (NP_002829.3, residues 71-91): ETTTSLSPDN[Thr81Ile]STQVSPDSLD